The following is an entry in ClinVar:

NM_152703.5(SAMD9L):c.3464C>T (p.Ala1155Val)

Gene: SAMD9L (sterile alpha motif domain containing 9 like; minus strand). Cytogenetic location: 7q21.2.
Variant type: single nucleotide variant.
Coding change: c.3464C>T on transcript NM_152703.5 (MANE Select); coding-DNA position 3464, C replaced by T.
Protein change: p.Ala1155Val; replaces alanine 1155 with valine.
Molecular consequence: missense variant.
Genome position (GRCh38, 1-based): chr7:93,132,508, G>A on the plus strand (C>T on the coding strand, the complement: SAMD9L is on the minus strand). VCF-style: chr7-93132508-G-A. GRCh37 (hg19) VCF-style: chr7-92761821-G-A.
Other names: c.3464C>T, p.Ala1155Val (NM_001303496.3, NM_001303497.3, NM_001303498.3 and 5 more transcripts); short protein forms A1155V.
Identifiers: ClinVar variation 3950026 (VCV003950026.1).

ClinVar aggregate classification (germline): Uncertain significance (1 of 4 stars; one submission).

Conditions:
Inborn genetic diseases. Identifiers: MedGen C0950123, MeSH D030342.

Submission:

Ambry Genetics
Classification: Uncertain significance for Inborn genetic diseases. Last evaluated: 2025-06-14. Review status: criteria provided, single submitter. Criteria: Ambry Variant Classification Scheme 2023. Collection method: clinical testing. Allele origin: germline.
Comment: The p.A1155V variant (also known as c.3464C>T), located in coding exon 1 of the SAMD9L gene, results from a C to T substitution at nucleotide position 3464. The alanine at codon 1155 is replaced by valine, an amino acid with similar properties. This amino acid position is conserved. In addition, this alteration is predicted to be tolerated by in silico analysis. Based on the available evidence, the clinical significance of this variant remains unclear.